The following is an entry in ClinVar:

NM_015474.4(SAMHD1):c.1459G>A (p.Val487Ile)

Gene: SAMHD1 (SAM and HD domain containing deoxynucleoside triphosphate triphosphohydrolase 1; minus strand). Cytogenetic location: 20q11.23.
Variant type: single nucleotide variant.
Coding change: c.1459G>A on transcript NM_015474.4 (MANE Select); coding-DNA position 1459, G replaced by A.
Protein change: p.Val487Ile; replaces valine 487 with isoleucine.
Molecular consequence: missense variant.
Genome position (GRCh38, 1-based): chr20:36,904,201, C>T on the plus strand (G>A on the coding strand, the complement: SAMHD1 is on the minus strand). VCF-style: chr20-36904201-C-T. GRCh37 (hg19) VCF-style: chr20-35532604-C-T.
Other names: c.1459G>A, p.Val487Ile (NM_001363729.2, NM_001363733.2); short protein forms V487I.
Identifiers: ClinVar variation 1521040 (VCV001521040.3), dbSNP rs2148359709, ClinGen allele CA408841183.

ClinVar aggregate classification (germline): Uncertain significance (1 of 4 stars; one submission).

Conditions:
Aicardi-Goutieres syndrome 5. Identifiers: Orphanet 51, MedGen C2749659, MONDO:0013059, OMIM 612952.

Submission:

Labcorp Genetics (formerly Invitae), Labcorp
Classification: Uncertain significance for Aicardi-Goutieres syndrome 5. Last evaluated: 2022-02-04. Review status: criteria provided, single submitter. Criteria: Invitae Variant Classification Sherloc (09022015). Collection method: clinical testing. Allele origin: germline.
Comment: This sequence change replaces valine, which is neutral and non-polar, with isoleucine, which is neutral and non-polar, at codon 487 of the SAMHD1 protein (p.Val487Ile). This variant is not present in population databases (gnomAD no frequency). This variant has not been reported in the literature in individuals affected with SAMHD1-related conditions. Algorithms developed to predict the effect of missense changes on protein structure and function output the following: SIFT: "Tolerated"; PolyPhen-2: "Benign"; Align-GVGD: "Class C0". The isoleucine amino acid residue is found in multiple mammalian species, which suggests that this missense change does not adversely affect protein function. In summary, the available evidence is currently insufficient to determine the role of this variant in disease. Therefore, it has been classified as a Variant of Uncertain Significance.